The following is an entry in ClinVar:

NM_013254.4(TBK1):c.684dup (p.Arg229Ter)

Gene: TBK1 (TANK binding kinase 1; plus strand). Cytogenetic location: 12q14.2.
Variant type: Duplication.
Coding change: c.684dup on transcript NM_013254.4 (MANE Select); coding-DNA position 684, one base duplicated (T; older notation c.684dupT).
Protein change: p.Arg229Ter; replaces arginine 229 with a stop codon.
Molecular consequence: nonsense.
Genome position (GRCh38, 1-based): chr12:64,474,373, T duplicated. VCF-style (leftmost placement, unchanged base first): chr12-64474372-G-GT. GRCh37 (hg19) VCF-style: chr12-64868152-G-GT.
Other names: short protein forms R229*.
Identifiers: ClinVar variation 3346762 (VCV003346762.1).
Genomic context (GRCh38, chr12:64,474,372, plus strand): 5'-GGGTAACATTTTACCATGCAGCTACTGGATCACTGCCATTTAGACCCTTTGAAGGGCCTC[G>GT]TAGGAATAAAGAAGTGATGTAAGTGGTTTCCCGATCTAAAATCAGAGAAGCATTTAAAAA-3'

ClinVar aggregate classification (germline): Likely pathogenic (0 of 4 stars; one submission).

Conditions:
TBK1-related disorder. Also called: TBK1-related condition.

Submission:

PreventionGenetics, part of Exact Sciences
Classification: Likely pathogenic for TBK1-related condition. Last evaluated: 2024-05-20. Review status: no assertion criteria provided. Collection method: clinical testing. Allele origin: germline.
Comment: The TBK1 c.684dupT variant is predicted to result in premature protein termination (p.Arg229*). This variant was reported in an individual with amyotrophic lateral sclerosis (Lattante et al. 2019. PubMed ID: 31000212). This variant has not been reported in a large population database, indicating this variant is rare. Nonsense variants in TBK1 are expected to be pathogenic. This variant is interpreted as likely pathogenic.